The following is an entry in ClinVar:

NM_004304.5(ALK):c.2891T>A (p.Ile964Asn)

Gene: ALK (ALK receptor tyrosine kinase; minus strand). Cytogenetic location: 2p23.2.
Variant type: single nucleotide variant.
Coding change: c.2891T>A on transcript NM_004304.5 (MANE Select); coding-DNA position 2891, T replaced by A.
Protein change: p.Ile964Asn; replaces isoleucine 964 with asparagine.
Molecular consequence: missense variant.
Genome position (GRCh38, 1-based): chr2:29,227,597, A>T on the plus strand (T>A on the coding strand, the complement: ALK is on the minus strand). VCF-style: chr2-29227597-A-T. GRCh37 (hg19) VCF-style: chr2-29450463-A-T.
Other names: c.2891T>A (NM_004304.4); short protein forms I964N.
Identifiers: ClinVar variation 1393999 (VCV001393999.7), dbSNP rs768623350, ClinGen allele CA1594153.

ClinVar aggregate classification (germline): Uncertain significance. Review status: criteria provided, multiple submitters, no conflicts (2 of 4 stars). 2 submissions from 2 submitters: Uncertain significance (2). Last evaluated 2025-04-28.

Conditions:
Hereditary cancer-predisposing syndrome. Also called: Hereditary neoplastic syndrome; Neoplastic Syndromes, Hereditary; Hereditary Cancer Syndrome; Tumor predisposition. Identifiers: Orphanet 140162, MedGen C0027672, MeSH D009386, MONDO:0015356.
Neuroblastoma, susceptibility to, 3. Also called: ALK-Related Neuroblastic Tumor Susceptibility. Identifiers: Orphanet 635, MedGen C2751681, MONDO:0013083, OMIM 613014.

Allele frequency attached by ClinVar (database versions not stated): gnomAD exomes below 0.00001; ExAC 0.00001.
gnomAD v4.1: 3 of 1,614,104 alleles (0.00019%); highest among the groups gnomAD compares: Middle Eastern, 0.033%; no homozygotes.

Submissions (2):

Ambry Genetics
Classification: Uncertain significance for Hereditary cancer-predisposing syndrome. Last evaluated: 2025-04-28. Review status: criteria provided, single submitter. Criteria: Ambry Variant Classification Scheme 2023. Collection method: clinical testing. Allele origin: germline.
Comment: The p.I964N variant (also known as c.2891T>A), located in coding exon 17 of the ALK gene, results from a T to A substitution at nucleotide position 2891. The isoleucine at codon 964 is replaced by asparagine, an amino acid with dissimilar properties. This amino acid position is conserved. In addition, this alteration is predicted to be tolerated by in silico analysis. Based on the available evidence, the clinical significance of this variant remains unclear.

Labcorp Genetics (formerly Invitae), Labcorp
Classification: Uncertain significance for Neuroblastoma, susceptibility to, 3. Last evaluated: 2024-02-13. Review status: criteria provided, single submitter. Criteria: Invitae Variant Classification Sherloc (09022015). Collection method: clinical testing. Allele origin: germline.
Comment: This sequence change replaces isoleucine, which is neutral and non-polar, with asparagine, which is neutral and polar, at codon 964 of the ALK protein (p.Ile964Asn). This variant is not present in population databases (gnomAD no frequency). This variant has not been reported in the literature in individuals affected with ALK-related conditions. ClinVar contains an entry for this variant (Variation ID: 1393999). An algorithm developed to predict the effect of missense changes on protein structure and function (PolyPhen-2) suggests that this variant is likely to be tolerated. In summary, the available evidence is currently insufficient to determine the role of this variant in disease. Therefore, it has been classified as a Variant of Uncertain Significance.